The following is an entry in ClinVar:

NM_001042492.3(NF1):c.5489G>A (p.Arg1830His)

Gene: NF1 (neurofibromin 1; plus strand). Cytogenetic location: 17q11.2.
Variant type: single nucleotide variant.
Coding change: c.5489G>A on transcript NM_001042492.3 (MANE Select); coding-DNA position 5489, G replaced by A.
Protein change: p.Arg1830His; replaces arginine 1830 with histidine.
Molecular consequence: missense variant.
Genome position (GRCh38, 1-based): chr17:31,327,719, G>A. VCF-style: chr17-31327719-G-A. GRCh37 (hg19) VCF-style: chr17-29654737-G-A.
Other names: c.5426G>A, p.Arg1809His (NM_000267.4); short protein forms R1830H, R1809H.
Identifiers: ClinVar variation 404482 (VCV000404482.21), dbSNP rs771529172, ClinGen allele CA16615261.
Genomic context (GRCh38, chr17:31,327,719, plus strand): 5'-TCACCTTCATGCACCAGGAGTGTGAAGCCATTGTCCAGTCTATCATTCATATCCGGACCC[G>A]CTGGGAACTGTCACAGCCCGACTCTATCCCCCAACACACCAAGATTCGGCCAAAAGATGT-3'
Protein context (NP_001035957.1, residues 1820-1840): IVQSIIHIRT[Arg1830His]WELSQPDSIP

ClinVar aggregate classification (germline): Conflicting classifications of pathogenicity. Review status: criteria provided, conflicting classifications (1 of 4 stars). 6 submissions from 6 submitters: Likely pathogenic (3); Uncertain significance (2); Likely benign (1). Last evaluated 2026-01-06.

Conditions:
Hereditary cancer-predisposing syndrome. Also called: Tumor predisposition; Neoplastic Syndromes, Hereditary; Hereditary Cancer Syndrome; Hereditary neoplastic syndrome. Identifiers: Orphanet 140162, MedGen C0027672, MeSH D009386, MONDO:0015356.
Cardiovascular phenotype. Identifiers: MedGen CN230736.
Juvenile myelomonocytic leukemia (JMML). Also called: LEUKEMIA, JUVENILE MYELOMONOCYTIC, SOMATIC. Identifiers: Orphanet 86834, MedGen C0349639, MONDO:0011908, OMIM 607785, HP:0012209.
Neurofibromatosis-Noonan syndrome (NFNS). Also called: NEUROFIBROMATOSIS WITH NOONAN PHENOTYPE. Identifiers: Orphanet 638, MedGen C2931482, MONDO:0011035, OMIM 601321. Disease mechanism: loss of function.
Neurofibromatosis, type 1 (NF1). Also called: Neurofibromatosis, type I; NEUROFIBROMATOSIS, TYPE I, SOMATIC; Peripheral type neurofibromatosis; VON RECKLINGHAUSEN DISEASE. Identifiers: Orphanet 636, MedGen C0027831, MONDO:0018975, OMIM 162200. Disease mechanism: loss of function.

gnomAD v4.1: 6 of 1,614,090 alleles (0.00037%); highest among the groups gnomAD compares: African/African-American, 0.0013%; no homozygotes.

Submissions (6):

Labcorp Genetics (formerly Invitae), Labcorp
Classification: Likely benign for Neurofibromatosis, type 1. Last evaluated: 2026-01-06. Review status: criteria provided, single submitter. Criteria: Invitae Variant Classification Sherloc (09022015). Collection method: clinical testing. Allele origin: germline.

Ambry Genetics
Classification: Uncertain significance for Cardiovascular phenotype; Hereditary cancer-predisposing syndrome. Last evaluated: 2025-02-14. Review status: criteria provided, single submitter. Criteria: Ambry Variant Classification Scheme 2023. Collection method: clinical testing. Allele origin: germline.
Comment: The p.R1809H variant (also known as c.5426G>A), located in coding exon 37 of the NF1 gene, results from a G to A substitution at nucleotide position 5426. The arginine at codon 1809 is replaced by histidine, an amino acid with highly similar properties. This amino acid position is highly conserved in available vertebrate species. In addition, this alteration is predicted to be deleterious by in silico analysis. Based on the available evidence, the clinical significance of this variant remains unclear.

Genomics, Clalit Research Institute, Clalit Health Care
Classification: Likely pathogenic for Neurofibromatosis-Noonan syndrome. Last evaluated: 2025-01-04. Review status: criteria provided, single submitter. Criteria: ACMG Guidelines, 2015. Collection method: clinical testing. Allele origin: germline. Inheritance: Autosomal dominant inheritance. Affected: yes. Observed: 1 heterozygote.
Comment: This variant was found in the Heterozygous state in the sample. Frequency: The variant is absent from the gnomAD reference population dataset. Variant type: 1. Missense variant in a gene with a low rate of benign missense variation and in which missense variants are a common mechanism of pathogenesis. 2. The variant is a novel missense change at an amino acid residue where a different missense change determined to be pathogenic has been seen before.(VCV000208856.7) Prediction tools: REVEL predicts a deleterious effect on the gene or gene product (score 0.96). Clinical evidence: This variant has previously been described in ClinVar (VCV404482) with the following classifications: VUS (3) / LP (2). Criteria: PM2_P, PM5, PP2, PP3_S

Baylor Genetics
Classification: Uncertain significance for Juvenile myelomonocytic leukemia. Last evaluated: 2023-06-22. Review status: criteria provided, single submitter. Criteria: ACMG Guidelines, 2015. Collection method: clinical testing. Allele origin: unknown.

Revvity Omics, Revvity
Classification: Likely pathogenic. Last evaluated: 2022-11-16. Review status: criteria provided, single submitter. Criteria: ACMG Guidelines, 2015. Collection method: clinical testing. Allele origin: germline.

Mendelics
Classification: Likely pathogenic for Neurofibromatosis, type 1. Last evaluated: 2022-05-04. Review status: criteria provided, single submitter. Criteria: Mendelics Assertion Criteria 2019. Collection method: clinical testing. Allele origin: germline.

Literature cited by the submitters: PubMed 26178382 (cited by Ambry Genetics).